The following is an entry in ClinVar:

NM_000053.4(ATP7B):c.4181C>G (p.Pro1394Arg)

Gene: ATP7B (ATPase copper transporting beta; minus strand). Cytogenetic location: 13q14.3.
Variant type: single nucleotide variant.
Coding change: c.4181C>G on transcript NM_000053.4 (MANE Select); coding-DNA position 4181, C replaced by G.
Protein change: p.Pro1394Arg; replaces proline 1394 with arginine.
Molecular consequence: missense variant.
Genome position (GRCh38, 1-based): chr13:51,934,973, G>C on the plus strand (C>G on the coding strand, the complement: ATP7B is on the minus strand). VCF-style: chr13-51934973-G-C. GRCh37 (hg19) VCF-style: chr13-52509109-G-C.
Other names: c.3560C>G, p.Pro1187Arg (NM_001005918.3); c.3848C>G, p.Pro1283Arg (NM_001243182.2); c.3947C>G, p.Pro1316Arg (NM_001330578.2, NM_001406527.1, NM_001406528.1); c.3929C>G, p.Pro1310Arg (NM_001330579.2, NM_001406531.1, NM_001406532.1); c.4181C>G, p.Pro1394Arg (NM_001406511.1, NM_001406512.1); c.4175C>G, p.Pro1392Arg (NM_001406513.1); c.4148C>G, p.Pro1383Arg (NM_001406514.1); c.4127C>G, p.Pro1376Arg (NM_001406515.1, NM_001406516.1); and 21 more; short protein forms P1113R, P1167R, P1178R, P1187R, P1200R, P1230R, P1232R, P1245R.
Identifiers: ClinVar variation 3075576 (VCV003075576.3), dbSNP rs1041361346, ClinGen allele CA250071716.
Genomic context (GRCh38, chr13:51,934,973, plus strand): 5'-GGGGAGTCCCGCCACCTGTCATCCATGCCTATGTGCACACTGACCTGGGATGCCGTCAGG[G>C]GCTTCATGTGGCCATGCGCCTGTGCCTCATACCTCTCCAGGTCAGGCTTCTTATAGCTGG-3'
Protein context (NP_000044.2, residues 1384-1404): YEAQAHGHMK[Pro1394Arg]LTASQVSVHI

ClinVar aggregate classification (germline): Uncertain significance. Review status: criteria provided, multiple submitters, no conflicts (2 of 4 stars). 2 submissions from 2 submitters: Uncertain significance (2). Last evaluated 2024-04-25.

Conditions:
Wilson disease (WND). Also called: Wilson's disease. Identifiers: Orphanet 905, MedGen C0019202, MONDO:0010200, OMIM 277900. Disease mechanism: loss of function.

Allele frequency attached by ClinVar (database versions not stated): gnomAD exomes 0.00001.
gnomAD v4.1: 23 of 1,613,916 alleles (0.0014%); highest among the groups gnomAD compares: African/African-American, 0.004%; no homozygotes.

Submissions (2):

All of Us Research Program, National Institutes of Health
Classification: Uncertain significance for Wilson disease. Last evaluated: 2024-04-25. Review status: criteria provided, single submitter. Criteria: ACMG Guidelines, 2015. Collection method: clinical testing. Allele origin: germline. Inheritance: Autosomal recessive inheritance. Observed: 8 variant alleles, 8 heterozygotes.
Comment: This missense variant replaces proline with arginine at codon 1394 of the ATP7B protein. Computational prediction suggests that this variant may not impact protein structure and function (internally defined REVEL score threshold <= 0.5, PMID: 27666373). To our knowledge, functional studies have not been reported for this variant. This variant has not been reported in individuals affected with Wilson disease in the literature. This variant has been identified in 2/247466 chromosomes in the general population by the Genome Aggregation Database (gnomAD). The available evidence is insufficient to determine the role of this variant in disease conclusively. Therefore, this variant is classified as a Variant of Uncertain Significance.

This study involves interpretation of variants in research participants for the purpose of population health screening. Participant phenotype was not available at the time of variant classification. Additional details can be found in publication PMID: 35346344, PMCID: PMC8962531

Color Diagnostics, LLC DBA Color Health
Classification: Uncertain significance for Wilson disease. Last evaluated: 2024-03-06. Review status: criteria provided, single submitter. Criteria: ACMG Guidelines, 2015. Collection method: clinical testing. Allele origin: germline.
Comment: This missense variant replaces proline with arginine at codon 1394 of the ATP7B protein. Computational prediction suggests that this variant may not impact protein structure and function. To our knowledge, functional studies have not been reported for this variant. This variant has not been reported in individuals affected with Wilson disease in the literature. This variant has been identified in 2/247466 chromosomes in the general population by the Genome Aggregation Database (gnomAD). The available evidence is insufficient to determine the role of this variant in disease conclusively. Therefore, this variant is classified as a Variant of Uncertain Significance.